The following is an entry in ClinVar:

NM_000355.4(TCN2):c.489C>T (p.Ala163=)

Gene: TCN2 (transcobalamin 2; plus strand). Cytogenetic location: 22q12.2.
Variant type: single nucleotide variant.
Coding change: c.489C>T on transcript NM_000355.4 (MANE Select); coding-DNA position 489, C replaced by T.
Protein change: p.Ala163=; no amino-acid change (alanine 163 retained).
Molecular consequence: synonymous variant.
Genome position (GRCh38, 1-based): chr22:30,614,410, C>T. VCF-style: chr22-30614410-C-T. GRCh37 (hg19) VCF-style: chr22-31010397-C-T.
Other names: p.Ala163=; c.408C>T, p.Ala136= (NM_001184726.2).
Identifiers: ClinVar variation 1986288 (VCV001986288.5), dbSNP rs766585202, ClinGen allele CA10184677.
Genomic context (GRCh38, chr22:30,614,410, plus strand): 5'-GCATGATCACAAGGGCCACCCCCACACTAGCTACTACCAGTATGGCCTGGGCATTCTGGC[C>T]CTGTGTCTCCACCAGAAGCGGGTCCATGACAGCGTGGTGGACAAACTTCTGTATGCTGTG-3'
Protein context (NP_000346.2, residues 153-173): SYYQYGLGIL[Ala163=]LCLHQKRVHD

ClinVar aggregate classification (germline): Likely benign. Review status: criteria provided, multiple submitters, no conflicts (2 of 4 stars). 2 submissions from 2 submitters: Likely benign (2). Last evaluated 2024-11-14.

Conditions:
Transcobalamin II deficiency (TCN2D). Also called: Transcolabamin II deficiency; TC II DEFICIENCY; TCN2 DEFICIENCY. Identifiers: Orphanet 859, MedGen C0342701, MONDO:0010149, OMIM 275350.

Allele frequency attached by ClinVar (database versions not stated): ExAC 0.00001; TOPMed 0.00002.
gnomAD v4.1: 11 of 1,614,114 alleles (0.00068%); highest among the groups gnomAD compares: African/African-American, 0.011%; no homozygotes.

Submissions (2):

Mayo Clinic Laboratories, Mayo Clinic
Classification: Likely benign. Last evaluated: 2024-11-14. Review status: criteria provided, single submitter. Criteria: ACMG Guidelines, 2015. Collection method: clinical testing. Allele origin: germline. Observed: 1 variant allele.
Comment: BP4, BP7, PM2_supporting

Labcorp Genetics (formerly Invitae), Labcorp
Classification: Likely benign for Transcobalamin II deficiency. Last evaluated: 2024-07-08. Review status: criteria provided, single submitter. Criteria: Invitae Variant Classification Sherloc (09022015). Collection method: clinical testing. Allele origin: germline.